The following is an entry in ClinVar:

NM_001242896.3(DEPDC5):c.2953G>A (p.Gly985Ser)

Gene: DEPDC5 (DEP domain containing 5, GATOR1 subcomplex subunit; plus strand). Cytogenetic location: 22q12.3.
Variant type: single nucleotide variant.
Coding change: c.2953G>A on transcript NM_001242896.3 (MANE Select); coding-DNA position 2953, G replaced by A.
Protein change: p.Gly985Ser; replaces glycine 985 with serine.
Molecular consequence: missense variant. On other transcripts: non-coding transcript variant (5).
Genome position (GRCh38, 1-based): chr22:31,845,169, G>A. VCF-style: chr22-31845169-G-A. GRCh37 (hg19) VCF-style: chr22-32241155-G-A.
Other names: c.2926G>A, p.Gly976Ser (NM_001136029.4, NM_001369903.1, NM_014662.6); c.2719G>A, p.Gly907Ser (NM_001242897.2, NM_001363854.2, NM_001364319.2); c.2953G>A, p.Gly985Ser (NM_001363852.2, NM_001364318.2, NM_001364320.2); c.2869G>A, p.Gly957Ser (NM_001369901.1, NM_001369902.1); short protein forms G957S, G907S, G985S, G976S.
Identifiers: ClinVar variation 2064161 (VCV002064161.4), dbSNP rs2520190316, ClinGen allele CA411291300.

ClinVar aggregate classification (germline): Uncertain significance (1 of 4 stars; one submission).

Conditions:
Familial focal epilepsy with variable foci (FPEVF). Identifiers: Orphanet 98820, MedGen C1858477, MONDO:0020310.

Submission:

Labcorp Genetics (formerly Invitae), Labcorp
Classification: Uncertain significance for Familial focal epilepsy with variable foci. Last evaluated: 2022-01-21. Review status: criteria provided, single submitter. Criteria: Invitae Variant Classification Sherloc (09022015). Collection method: clinical testing. Allele origin: germline.
Comment: Algorithms developed to predict the effect of sequence changes on RNA splicing suggest that this variant may create or strengthen a splice site. Algorithms developed to predict the effect of missense changes on protein structure and function are either unavailable or do not agree on the potential impact of this missense change (SIFT: "Deleterious"; PolyPhen-2: "Not Available"; Align-GVGD: "Class C0"). This variant has not been reported in the literature in individuals affected with DEPDC5-related conditions. This variant is not present in population databases (gnomAD no frequency). This sequence change replaces glycine, which is neutral and non-polar, with serine, which is neutral and polar, at codon 985 of the DEPDC5 protein (p.Gly985Ser). In summary, the available evidence is currently insufficient to determine the role of this variant in disease. Therefore, it has been classified as a Variant of Uncertain Significance.